The following is an entry in ClinVar:

ClinVar aggregate classification (germline): Benign/Likely benign. Review status: criteria provided, multiple submitters, no conflicts (2 of 4 stars). 3 submissions from 3 submitters: Benign (1); Likely benign (2). Last evaluated 2018-12-24.

Conditions:
Ataxia, early-onset, with oculomotor apraxia and hypoalbuminemia (EAOH). Also called: ATAXIA-OCULOMOTOR APRAXIA SYNDROME; ATAXIA-TELANGIECTASIA-LIKE SYNDROME; Ataxia-oculomotor apraxia type 1. Identifiers: Orphanet 1168, MedGen C1859598, MONDO:0008842, OMIM 208920.

Allele frequency attached by ClinVar (database versions not stated): gnomAD exomes 0.00043 and 0.00100; ExAC 0.00260; 1000 Genomes Project 0.00300; 1000 Genomes Project 30x 0.00312; gnomAD 0.00416 and 0.00452; TOPMed 0.00507.
gnomAD v4.1: 1,012 of 995,456 alleles (0.1%); highest among the groups gnomAD compares: African/African-American, 1.4%; 7 homozygotes.

Submissions (3):

GeneDx
Classification: Likely benign. Last evaluated: 2018-12-24. Review status: criteria provided, single submitter. Criteria: GeneDx Variant Classification Process June 2021. Collection method: clinical testing. Allele origin: germline. Affected: yes.

Illumina Laboratory Services, Illumina
Classification: Benign for Ataxia, early-onset, with oculomotor apraxia and hypoalbuminemia. Last evaluated: 2018-01-13. Review status: criteria provided, single submitter. Criteria: ICSL Variant Classification Criteria 13 December 2019. Collection method: clinical testing. Allele origin: germline.
Comment: This variant was observed in the ICSL laboratory as part of a predisposition screen in an ostensibly healthy population. It had not been previously curated by ICSL or reported in the Human Gene Mutation Database (HGMD: prior to June 1st, 2018), and was therefore a candidate for classification through an automated scoring system. Utilizing variant allele frequency, disease prevalence and penetrance estimates, and inheritance mode, an automated score was calculated to assess if this variant is too frequent to cause the disease. Based on the score and internal cut-off values, a variant classified as benign is not then subjected to further curation. The score for this variant resulted in a classification of benign for this disease.

Breakthrough Genomics
Classification: Likely benign. Review status: criteria provided, single submitter. Criteria: ACMG Guidelines, 2015. Collection method: not provided. Allele origin: germline. Inheritance: Autosomal recessive inheritance. Affected: yes.

NM_001195248.2(APTX):c.*141G>A

Gene: APTX (aprataxin; minus strand). Cytogenetic location: 9p21.1.
Variant type: single nucleotide variant.
Coding change: c.*141G>A on transcript NM_001195248.2 (MANE Select); 141 bases downstream of the stop codon, G replaced by A.
Molecular consequence: 3 prime UTR variant. On other transcripts: non-coding transcript variant (13).
Genome position (GRCh38, 1-based): chr9:32,973,357, C>T on the plus strand (G>A on the coding strand, the complement: APTX is on the minus strand). VCF-style: chr9-32973357-C-T. GRCh37 (hg19) VCF-style: chr9-32973355-C-T.
Other names: c.*141G>A (NM_001195249.2, NM_001195250.2, NM_001195252.2 and 15 more transcripts); c.*327G>A (NM_001195251.2, NM_001368999.1, NM_001369006.1 and 1 more transcripts).
Identifiers: ClinVar variation 915132 (VCV000915132.8), dbSNP rs148292963, ClinGen allele CA5022212.